The following is an entry in ClinVar:

NM_001267550.2(TTN):c.59174_59175del (p.Glu19725fs)

Genes: TTN (titin; minus strand), TTN-AS1 (TTN antisense RNA 1; plus strand). Cytogenetic location: 2q31.2.
Variant type: Deletion.
Coding change: c.59174_59175del on transcript NM_001267550.2 (MANE Select); coding-DNA positions 59174 to 59175, 2 bases deleted (AA; older notation c.59174_59175delAA).
Protein change: p.Glu19725fs; shifts the reading frame from glutamic acid 19725.
Molecular consequence: frameshift variant.
Genome position (GRCh38, 1-based): chr2:178,592,944-178,592,945, TT deleted on the plus strand (AA on the coding strand, the reverse complement: TTN is on the minus strand). VCF-style (leftmost placement, unchanged base first): chr2-178592943-CTT-C. GRCh37 (hg19) VCF-style: chr2-179457670-CTT-C.
Other names: c.54251_54252del, p.Glu18084fs (NM_001256850.1); c.31979_31980del, p.Glu10660fs (NM_003319.4); c.51470_51471del, p.Glu17157fs (NM_133378.4); c.32354_32355del, p.Glu10785fs (NM_133432.3); c.32555_32556del, p.Glu10852fs (NM_133437.4); short protein forms E10785fs, E10852fs, E19725fs, E18084fs, E10660fs, E17157fs.
Identifiers: ClinVar variation 2936585 (VCV002936585.3), dbSNP rs2050549761, ClinGen allele CA1039713415.

ClinVar aggregate classification (germline): Likely pathogenic (1 of 4 stars; one submission).

Conditions:
Dilated cardiomyopathy 1G (CMD1G). Identifiers: Orphanet 154, MedGen C1858763, MONDO:0011400, OMIM 604145.
Autosomal recessive limb-girdle muscular dystrophy type 2J (LGMDR10). Also called: Limb-girdle muscular dystrophy, type 2J; MUSCULAR DYSTROPHY, LIMB-GIRDLE, AUTOSOMAL RECESSIVE 10. Identifiers: Orphanet 140922, MedGen C1837342, MONDO:0012127, OMIM 608807.

Allele frequency attached by ClinVar (database versions not stated): gnomAD 0.00001; TOPMed 0.00001.

Submission:

Labcorp Genetics (formerly Invitae), Labcorp
Classification: Likely pathogenic for Dilated cardiomyopathy 1G; Autosomal recessive limb-girdle muscular dystrophy type 2J. Last evaluated: 2023-01-14. Review status: criteria provided, single submitter. Criteria: Invitae Variant Classification Sherloc (09022015). Collection method: clinical testing. Allele origin: germline.
Comment: This variant is not present in population databases (gnomAD no frequency). In summary, the currently available evidence indicates that the variant is pathogenic, but additional data are needed to prove that conclusively. Therefore, this variant has been classified as Likely Pathogenic. This variant is located in the A band of TTN (PMID: 25589632). Truncating variants in this region are significantly overrepresented in patients affected with dilated cardiomyopathy (PMID: 25589632). Truncating variants in this region have also been reported in individuals affected with autosomal recessive centronuclear myopathy (PMID: 23975875). This variant has not been reported in the literature in individuals affected with TTN-related conditions. This sequence change creates a premature translational stop signal (p.Glu19725Glyfs*10) in the TTN gene. While this is not anticipated to result in nonsense mediated decay, it is expected to create a truncated TTN protein.

Literature cited by the submitters: PubMed 25589632; PubMed 23975875.